The following is an entry in ClinVar:

ClinVar aggregate classification (germline): Benign (0 of 4 stars; one submission).

Conditions:
FSIP2-related disorder. Also called: FSIP2-related condition.

Allele frequency attached by ClinVar (database versions not stated): TOPMed 0.53194; 1000 Genomes Project 30x 0.53904; 1000 Genomes Project 0.54034; gnomAD exomes 0.54202; gnomAD 0.54466; ExAC 0.58523.
gnomAD v4.1: 829,875 of 1,530,724 alleles (54%); highest among the groups gnomAD compares: South Asian, 64%; 226,580 homozygotes.

Submission:

PreventionGenetics, part of Exact Sciences
Classification: Benign for FSIP2-related condition. Last evaluated: 2019-10-17. Review status: no assertion criteria provided. Collection method: clinical testing. Allele origin: germline.
Comment: This variant is classified as benign based on ACMG/AMP sequence variant interpretation guidelines (Richards et al. 2015 PMID: 25741868, with internal and published modifications).

NM_173651.4(FSIP2):c.6702G>T (p.Glu2234Asp)

Genes: FSIP2 (fibrous sheath interacting protein 2; plus strand), FSIP2-AS1 (FSIP2 antisense RNA 1; minus strand). Cytogenetic location: 2q32.1.
Variant type: single nucleotide variant.
Coding change: c.6702G>T on transcript NM_173651.4 (MANE Select); coding-DNA position 6702, G replaced by T.
Protein change: p.Glu2234Asp; replaces glutamic acid 2234 with aspartic acid.
Molecular consequence: missense variant.
Genome position (GRCh38, 1-based): chr2:185,793,838, G>T. VCF-style: chr2-185793838-G-T. GRCh37 (hg19) VCF-style: chr2-186658565-G-T.
Other names: short protein forms E2234D.
Identifiers: ClinVar variation 3060053 (VCV003060053.2), dbSNP rs10490392, ClinGen allele CA2016754.